The following is an entry in ClinVar:

NM_000123.4(ERCC5):c.286del (p.Asp96fs)

Genes: BIVM-ERCC5 (BIVM-ERCC5 readthrough; plus strand), ERCC5 (ERCC excision repair 5, endonuclease; plus strand). Cytogenetic location: 13q33.1.
Variant type: Deletion.
Coding change: c.286del on transcript NM_000123.4 (MANE Select); coding-DNA position 286, one base deleted (G; older notation c.286delG).
Protein change: p.Asp96fs; shifts the reading frame from aspartic acid 96.
Molecular consequence: frameshift variant.
Genome position (GRCh38, 1-based): chr13:102,853,778, G deleted; the last of 2 consecutive G bases (chr13:102,853,777-102,853,778); deleting either gives the same sequence. VCF-style (leftmost placement, unchanged base first): chr13-102853776-AG-A. GRCh37 (hg19) VCF-style: chr13-103506126-AG-A.
Other names: c.1648del, p.Asp550fs (NM_001204425.2); short protein forms D550fs, D96fs.
Identifiers: ClinVar variation 3030237 (VCV003030237.2), dbSNP rs2501534251, ClinGen allele CA2740097686.
Genomic context (GRCh38, chr13:102,853,776, plus strand): 5'-TAATATCCTGAAGTGAGATCTTACATCCTTTCTTCTCATAGGTGAAGAGAAGGCAGAGAA[AG>A]GACTTAGCGTCCAGTGACTCCAGGAAAACGACAGAGAAGCTTCTGAAAACATTTTTGAAA-3'

ClinVar aggregate classification (germline): Likely pathogenic (0 of 4 stars; one submission).

Conditions:
ERCC5-related disorder. Also called: ERCC5-related condition.

Submission:

PreventionGenetics, part of Exact Sciences
Classification: Likely pathogenic for ERCC5-related condition. Last evaluated: 2023-10-31. Review status: no assertion criteria provided. Collection method: clinical testing. Allele origin: germline.
Comment: The ERCC5 c.286delG variant is predicted to result in a frameshift and premature protein termination (p.Asp96Thrfs*2). To our knowledge, this variant has not been reported in the literature or in a large population database, indicating this variant is rare. Frameshift variants in ERCC5 are expected to be pathogenic. This variant is interpreted as likely pathogenic.